The following is an entry in ClinVar:

NM_000041.4(APOE):c.40G>C (p.Ala14Pro)

Gene: APOE (apolipoprotein E; plus strand). Cytogenetic location: 19q13.32.
Variant type: single nucleotide variant.
Coding change: c.40G>C on transcript NM_000041.4 (MANE Select); coding-DNA position 40, G replaced by C.
Protein change: p.Ala14Pro; replaces alanine 14 with proline.
Molecular consequence: missense variant.
Genome position (GRCh38, 1-based): chr19:44,906,664, G>C. VCF-style: chr19-44906664-G-C. GRCh37 (hg19) VCF-style: chr19-45409921-G-C.
Other names: c.118G>C, p.Ala40Pro (NM_001302688.2); c.40G>C, p.Ala14Pro (NM_001302689.2, NM_001302690.2, NM_001302691.2); short protein forms A14P, A40P.
Identifiers: ClinVar variation 3934764 (VCV003934764.1).

ClinVar aggregate classification (germline): Uncertain significance (1 of 4 stars; one submission).

Conditions:
Cardiovascular phenotype. Identifiers: MedGen CN230736.

Submission:

Ambry Genetics
Classification: Uncertain significance for Cardiovascular phenotype. Last evaluated: 2025-06-09. Review status: criteria provided, single submitter. Criteria: Ambry Variant Classification Scheme 2023. Collection method: clinical testing. Allele origin: germline.
Comment: The p.A14P variant (also known as c.40G>C), located in coding exon 1 of the APOE gene, results from a G to C substitution at nucleotide position 40. The alanine at codon 14 is replaced by proline, an amino acid with highly similar properties. This amino acid position is conserved. In addition, the in silico prediction for this alteration is inconclusive. Based on the available evidence, the clinical significance of this variant remains unclear.